The following is an entry in ClinVar:

ClinVar aggregate classification (germline): Uncertain significance (1 of 4 stars; one submission).

Conditions:
Regional enteritis. Also called: Enteritis, Granulomatous. Identifiers: MedGen C0678202, MeSH D003424.
Blau syndrome (BLAUS). Also called: ARTHROCUTANEOUVEAL GRANULOMATOSIS; GRANULOMATOSIS, FAMILIAL JUVENILE SYSTEMIC; GRANULOMATOSIS, FAMILIAL, BLAU TYPE; GRANULOMATOUS INFLAMMATORY ARTHRITIS, DERMATITIS, AND UVEITIS, FAMILIAL; JABS SYNDROME. Identifiers: Orphanet 90340, MedGen C5201146, MONDO:0008523, OMIM 186580.

gnomAD v4.1: 15 of 1,611,928 alleles (0.00093%); highest among the groups gnomAD compares: Non-Finnish European, 0.0013%; no homozygotes.

Submission:

Labcorp Genetics (formerly Invitae), Labcorp
Classification: Uncertain significance for Regional enteritis; Blau syndrome. Last evaluated: 2024-08-17. Review status: criteria provided, single submitter. Criteria: Invitae Variant Classification Sherloc (09022015). Collection method: clinical testing. Allele origin: germline.
Comment: This sequence change replaces glutamine, which is neutral and polar, with arginine, which is basic and polar, at codon 164 of the NOD2 protein (p.Gln164Arg). This variant is present in population databases (no rsID available, gnomAD 0.003%). This variant has not been reported in the literature in individuals affected with NOD2-related conditions. Invitae Evidence Modeling of protein sequence and biophysical properties (such as structural, functional, and spatial information, amino acid conservation, physicochemical variation, residue mobility, and thermodynamic stability) indicates that this missense variant is not expected to disrupt NOD2 protein function with a negative predictive value of 95%. Algorithms developed to predict the effect of sequence changes on RNA splicing suggest that this variant may create or strengthen a splice site. In summary, the available evidence is currently insufficient to determine the role of this variant in disease. Therefore, it has been classified as a Variant of Uncertain Significance.

NM_001370466.1(NOD2):c.410A>G (p.Gln137Arg)

Gene: NOD2 (nucleotide binding oligomerization domain containing 2; plus strand). Cytogenetic location: 16q12.1.
Variant type: single nucleotide variant.
Coding change: c.410A>G on transcript NM_001370466.1 (MANE Select); coding-DNA position 410, A replaced by G.
Protein change: p.Gln137Arg; replaces glutamine 137 with arginine.
Molecular consequence: missense variant. On other transcripts: non-coding transcript variant (1).
Genome position (GRCh38, 1-based): chr16:50,699,905, A>G. VCF-style: chr16-50699905-A-G. GRCh37 (hg19) VCF-style: chr16-50733816-A-G.
Other names: c.491A>G, p.Gln164Arg (NM_022162.3); c.410A>G, p.Gln137Arg (NM_001293557.2); short protein forms Q137R, Q164R.
Identifiers: ClinVar variation 3763576 (VCV003763576.2).